The following is an entry in ClinVar:

ClinVar aggregate classification (germline): Uncertain significance (1 of 4 stars; one submission).

Conditions:
Glycogen storage disease due to lactate dehydrogenase M-subunit deficiency (GSD11). Also called: Glycogen storage disease XI; GSD XI; LACTATE DEHYDROGENASE A DEFICIENCY. Identifiers: Orphanet 284426, MedGen C2931743, MONDO:0013047, OMIM 612933.

Allele frequency attached by ClinVar (database versions not stated): gnomAD 0.00001.
gnomAD v4.1: 1 of 1,613,352 alleles (0.000062%); highest among the groups gnomAD compares: African/African-American, 0.0013%; no homozygotes.

Submission:

Labcorp Genetics (formerly Invitae), Labcorp
Classification: Uncertain significance for Glycogen storage disease due to lactate dehydrogenase M-subunit deficiency. Last evaluated: 2025-06-12. Review status: criteria provided, single submitter. Criteria: Invitae Variant Classification Sherloc (09022015). Collection method: clinical testing. Allele origin: germline.
Comment: This sequence change replaces glycine, which is neutral and non-polar, with glutamic acid, which is acidic and polar, at codon 103 of the LDHA protein (p.Gly103Glu). This variant is not present in population databases (gnomAD no frequency). This variant has not been reported in the literature in individuals affected with LDHA-related conditions. ClinVar contains an entry for this variant (Variation ID: 1903404). Invitae Evidence Modeling of protein sequence and biophysical properties (such as structural, functional, and spatial information, amino acid conservation, physicochemical variation, residue mobility, and thermodynamic stability) indicates that this missense variant is not expected to disrupt LDHA protein function with a negative predictive value of 80%. In summary, the available evidence is currently insufficient to determine the role of this variant in disease. Therefore, it has been classified as a Variant of Uncertain Significance.

NM_005566.4(LDHA):c.308G>A (p.Gly103Glu)

Gene: LDHA (lactate dehydrogenase A; plus strand). Cytogenetic location: 11p15.1.
Variant type: single nucleotide variant.
Coding change: c.308G>A on transcript NM_005566.4 (MANE Select); coding-DNA position 308, G replaced by A.
Protein change: p.Gly103Glu; replaces glycine 103 with glutamic acid.
Molecular consequence: missense variant. On other transcripts: non-coding transcript variant (1), intron variant (1).
Genome position (GRCh38, 1-based): chr11:18,400,900, G>A. VCF-style: chr11-18400900-G-A. GRCh37 (hg19) VCF-style: chr11-18422447-G-A.
Other names: c.395G>A, p.Gly132Glu (NM_001165414.2); c.308G>A, p.Gly103Glu (NM_001165415.2, NM_001165416.2); c.244+1352G>A (NM_001135239.2); short protein forms G103E, G132E.
Identifiers: ClinVar variation 1903404 (VCV001903404.5), dbSNP rs1866462773, ClinGen allele CA379503218.